The following is an entry in ClinVar:

NM_000363.5(TNNI3):c.396C>G (p.Ile132Met)

Gene: TNNI3 (troponin I3, cardiac type; minus strand). Cytogenetic location: 19q13.42.
Variant type: single nucleotide variant.
Coding change: c.396C>G on transcript NM_000363.5 (MANE Select); coding-DNA position 396, C replaced by G.
Protein change: p.Ile132Met; replaces isoleucine 132 with methionine.
Molecular consequence: missense variant.
Genome position (GRCh38, 1-based): chr19:55,154,183, G>C on the plus strand (C>G on the coding strand, the complement: TNNI3 is on the minus strand). VCF-style: chr19-55154183-G-C. GRCh37 (hg19) VCF-style: chr19-55665551-G-C.
Other names: short protein forms I132M.
Identifiers: ClinVar variation 4810786 (VCV004810786.1).

ClinVar aggregate classification (germline): Uncertain significance (1 of 4 stars; one submission).

Conditions:
Hypertrophic cardiomyopathy. Also called: HYPERTROPHIC MYOCARDIOPATHY. Identifiers: Orphanet 217569, MedGen C0007194, MeSH D002312, MONDO:0005045, HP:0001639.

Submission:

Labcorp Genetics (formerly Invitae), Labcorp
Classification: Uncertain significance for Hypertrophic cardiomyopathy. Last evaluated: 2026-01-06. Review status: criteria provided, single submitter. Criteria: Invitae Variant Classification Sherloc (09022015). Collection method: clinical testing. Allele origin: germline.
Comment: This sequence change replaces isoleucine, which is neutral and non-polar, with methionine, which is neutral and non-polar, at codon 132 of the TNNI3 protein (p.Ile132Met). This variant is not present in population databases (gnomAD no frequency). This variant has not been reported in the literature in individuals affected with TNNI3-related conditions. An algorithm developed to predict the effect of missense changes on protein structure and function (PolyPhen-2) suggests that this variant is likely to be disruptive. In summary, the available evidence is currently insufficient to determine the role of this variant in disease. Therefore, it has been classified as a Variant of Uncertain Significance.